The following is an entry in ClinVar:

ClinVar aggregate classification (germline): Uncertain significance. Review status: criteria provided, multiple submitters, no conflicts (2 of 4 stars). 2 submissions from 2 submitters: Uncertain significance (2). Last evaluated 2022-06-04.

Conditions:
Inborn genetic diseases. Identifiers: MedGen C0950123, MeSH D030342.
Emery-Dreifuss muscular dystrophy 4, autosomal dominant (EDMD4). Also called: EMERY-DREIFUSS MUSCULAR DYSTROPHY 4 WITH VARIABLE FEATURES. Identifiers: Orphanet 261, MedGen C2751807, MONDO:0013071, OMIM 612998.
Autosomal recessive ataxia, Beauce type. Also called: ATAXIA, RECESSIVE, OF BEAUCE; SYNE1 Deficiency; Spinocerebellar ataxia, autosomal recessive 8; SYNE1-Related Autosomal Recessive Cerebellar Ataxia. Identifiers: Orphanet 88644, MedGen C1853116, MONDO:0012549, OMIM 610743.

Allele frequency attached by ClinVar (database versions not stated): gnomAD exomes 0.00001 and 0.00003; ExAC 0.00002; TOPMed 0.00003.
gnomAD v4.1: 43 of 1,613,976 alleles (0.0027%); highest among the groups gnomAD compares: Non-Finnish European, 0.0036%; no homozygotes.

Submissions (2):

Labcorp Genetics (formerly Invitae), Labcorp
Classification: Uncertain significance for Emery-Dreifuss muscular dystrophy 4, autosomal dominant; Autosomal recessive ataxia, Beauce type. Last evaluated: 2022-06-04. Review status: criteria provided, single submitter. Criteria: Invitae Variant Classification Sherloc (09022015). Collection method: clinical testing. Allele origin: germline.
Comment: This sequence change replaces alanine, which is neutral and non-polar, with proline, which is neutral and non-polar, at codon 6984 of the SYNE1 protein (p.Ala6984Pro). This variant is present in population databases (rs772233604, gnomAD 0.002%). This variant has not been reported in the literature in individuals affected with SYNE1-related conditions. ClinVar contains an entry for this variant (Variation ID: 856588). Algorithms developed to predict the effect of missense changes on protein structure and function are either unavailable or do not agree on the potential impact of this missense change (SIFT: "Tolerated"; PolyPhen-2: "Possibly Damaging"; Align-GVGD: "Class C0"). In summary, the available evidence is currently insufficient to determine the role of this variant in disease. Therefore, it has been classified as a Variant of Uncertain Significance.

Ambry Genetics
Classification: Uncertain significance for Inborn genetic diseases. Last evaluated: 2021-10-29. Review status: criteria provided, single submitter. Criteria: Ambry Variant Classification Scheme 2023. Collection method: clinical testing. Allele origin: germline.

NM_182961.4(SYNE1):c.21163G>C (p.Ala7055Pro)

Gene: SYNE1 (spectrin repeat containing nuclear envelope protein 1; minus strand). Cytogenetic location: 6q25.2.
Variant type: single nucleotide variant.
Coding change: c.21163G>C on transcript NM_182961.4 (MANE Select); coding-DNA position 21163, G replaced by C.
Protein change: p.Ala7055Pro; replaces alanine 7055 with proline.
Molecular consequence: missense variant.
Genome position (GRCh38, 1-based): chr6:152,230,579, C>G on the plus strand (G>C on the coding strand, the complement: SYNE1 is on the minus strand). VCF-style: chr6-152230579-C-G. GRCh37 (hg19) VCF-style: chr6-152551714-C-G.
Other names: c.20950G>C, p.Ala6984Pro (NM_033071.5); short protein forms A6984P, A7055P.
Identifiers: ClinVar variation 856588 (VCV000856588.10), dbSNP rs772233604, ClinGen allele CA4054243.